The following is an entry in ClinVar:

ClinVar aggregate classification (germline): Uncertain significance (1 of 4 stars; one submission).

Submission:

Labcorp Genetics (formerly Invitae), Labcorp
Classification: Uncertain significance. Last evaluated: 2025-12-10. Review status: criteria provided, single submitter. Criteria: Invitae Variant Classification Sherloc (09022015). Collection method: clinical testing. Allele origin: germline.
Comment: This sequence change replaces lysine, which is basic and polar, with arginine, which is basic and polar, at codon 108 of the BCL11B protein (p.Lys108Arg). This variant is not present in population databases (gnomAD no frequency). This variant has not been reported in the literature in individuals affected with BCL11B-related conditions. Invitae Evidence Modeling of protein sequence and biophysical properties (such as structural, functional, and spatial information, amino acid conservation, physicochemical variation, residue mobility, and thermodynamic stability) indicates that this missense variant is not expected to disrupt BCL11B protein function with a negative predictive value of 95%. In summary, the available evidence is currently insufficient to determine the role of this variant in disease. Therefore, it has been classified as a Variant of Uncertain Significance.

NM_138576.4(BCL11B):c.323A>G (p.Lys108Arg)

Gene: BCL11B (BCL11 transcription factor B; minus strand). Cytogenetic location: 14q32.2.
Variant type: single nucleotide variant.
Coding change: c.323A>G on transcript NM_138576.4 (MANE Select); coding-DNA position 323, A replaced by G.
Protein change: p.Lys108Arg; replaces lysine 108 with arginine.
Molecular consequence: missense variant.
Genome position (GRCh38, 1-based): chr14:99,257,575, T>C on the plus strand (A>G on the coding strand, the complement: BCL11B is on the minus strand). VCF-style: chr14-99257575-T-C. GRCh37 (hg19) VCF-style: chr14-99723912-T-C.
Other names: c.320A>G, p.Lys107Arg (NM_001282237.2, NM_001282238.2); c.323A>G, p.Lys108Arg (NM_022898.3); short protein forms K107R, K108R.
Identifiers: ClinVar variation 4746849 (VCV004746849.1).